The following is an entry in ClinVar:

NM_003482.4(KMT2D):c.6496C>T (p.Gln2166Ter)

Gene: KMT2D (lysine methyltransferase 2D; minus strand). Cytogenetic location: 12q13.12.
Variant type: single nucleotide variant.
Coding change: c.6496C>T on transcript NM_003482.4 (MANE Select); coding-DNA position 6496, C replaced by T.
Protein change: p.Gln2166Ter; replaces glutamine 2166 with a stop codon.
Molecular consequence: nonsense.
Genome position (GRCh38, 1-based): chr12:49,041,274, G>A on the plus strand (C>T on the coding strand, the complement: KMT2D is on the minus strand). VCF-style: chr12-49041274-G-A. GRCh37 (hg19) VCF-style: chr12-49435057-G-A.
Other names: short protein forms Q2166*.
Identifiers: ClinVar variation 642660 (VCV000642660.1), dbSNP rs1592137413, ClinGen allele CA384750667.

ClinVar aggregate classification (germline): Pathogenic (1 of 4 stars; one submission).

Conditions:
Kabuki syndrome. Also called: NIIKAWA-KUROKI SYNDROME; Kabuki make-up syndrome. Identifiers: Orphanet 2322, MedGen C0796004, MONDO:0016512.

Submission:

Labcorp Genetics (formerly Invitae), Labcorp
Classification: Pathogenic for Kabuki syndrome. Last evaluated: 2018-09-07. Review status: criteria provided, single submitter. Criteria: Invitae Variant Classification Sherloc (09022015). Collection method: clinical testing. Allele origin: germline.
Comment: This sequence change creates a premature translational stop signal (p.Gln2166*) in the KMT2D gene. It is expected to result in an absent or disrupted protein product. This variant is not present in population databases (ExAC no frequency). This variant has not been reported in the literature in individuals with KMT2D-related disease. Loss-of-function variants in KMT2D are known to be pathogenic (PMID: 22126750). For these reasons, this variant has been classified as Pathogenic.